The following is an entry in ClinVar:

NM_000238.4(KCNH2):c.2887_2888delinsA (p.Pro963fs)

Gene: KCNH2 (potassium voltage-gated channel subfamily H member 2; minus strand). Cytogenetic location: 7q36.1.
Variant type: Indel.
Coding change: c.2887_2888delinsA on transcript NM_000238.4 (MANE Select); coding-DNA positions 2887 to 2888, CC replaced by A.
Protein change: p.Pro963fs; shifts the reading frame from proline 963.
Molecular consequence: frameshift variant.
Genome position (GRCh38, 1-based): chr7:150,947,683-150,947,684, GG replaced by T on the plus strand (CC replaced by A on the coding strand, the reverse complement: KCNH2 is on the minus strand). VCF-style: chr7-150947683-GG-T. GRCh37 (hg19) VCF-style: chr7-150644771-GG-T.
Other names: c.1867_1868delinsA, p.Pro623fs (NM_172057.3); short protein forms P963fs, P623fs.
Identifiers: ClinVar variation 421672 (VCV000421672.2), dbSNP rs1064795287, ClinGen allele CA16618401.

ClinVar aggregate classification (germline): Likely pathogenic (1 of 4 stars; one submission).

Submission:

GeneDx
Classification: Likely pathogenic. Last evaluated: 2016-07-06. Review status: criteria provided, single submitter. Criteria: GeneDx Variant Classification (06012015). Collection method: clinical testing. Allele origin: germline. Affected: yes.
Comment: A novel frameshift variant that is likely pathogenic was identified in the KCNH2 gene. Although thec.2887_2888delCCinsA variant has not been reported to our knowledge, this variant causes a shift inreading frame starting at codon Proline 963, changing it to a Threonine, and creating a prematurestop codon at position 11 of the new reading frame, denoted p.Pro963ThrfsX11. This likelypathogenic variant is expected to result in either an abnormal, truncated protein product or loss ofprotein from this allele through nonsense-mediated mRNA decay. Other frameshift variants in theKCNH2 gene have been reported in HGMD in association with Long QT syndrome (Stenson et al.,2014). Furthermore, the c.2887_2888delCCinsA variant was not observed in approximately 6,300individuals of European and African American ancestry in the NHLBI Exome Sequencing Project,(average read depth 7X).In summary, c.2887_2888delCCinsA in the KCNH2 gene is expected to be pathogenic, as loss offunction variants in this gene are strongly associated with this phenotype.